The following is an entry in ClinVar:

ClinVar aggregate classification (germline): Benign/Likely benign. Review status: criteria provided, multiple submitters, no conflicts (2 of 4 stars). 4 submissions from 4 submitters: Benign (1); Likely benign (2). 1 of the submissions does not count toward it. Last evaluated 2026-01-31.

Conditions:
MYL4-related disorder. Also called: MYL4-related condition.
Atrial fibrillation, familial, 18 (ATFB18). Identifiers: MedGen C4310636, MONDO:0015001, OMIM 617280.

Allele frequency attached by ClinVar (database versions not stated): ExAC 0.00028; gnomAD exomes 0.00031; gnomAD 0.00057; TOPMed 0.00102; ESP Exome Variant Server 0.00138; 1000 Genomes Project 30x 0.00172; 1000 Genomes Project 0.00200.
gnomAD v4.1: 337 of 1,614,118 alleles (0.021%); highest among the groups gnomAD compares: African/African-American, 0.31%; no homozygotes.

Submissions (4):

Labcorp Genetics (formerly Invitae), Labcorp
Classification: Benign for Atrial fibrillation, familial, 18. Last evaluated: 2026-01-31. Review status: criteria provided, single submitter. Criteria: Invitae Variant Classification Sherloc (09022015). Collection method: clinical testing. Allele origin: germline.

Blueprint Genetics
Classification: Likely benign. Last evaluated: 2024-10-23. Review status: criteria provided, single submitter. Criteria: ACMG Guidelines, 2015. Collection method: clinical testing. Allele origin: germline.

GeneDx
Classification: Likely benign. Last evaluated: 2021-05-12. Review status: criteria provided, single submitter. Criteria: GeneDx Variant Classification Process June 2021. Collection method: clinical testing. Allele origin: germline. Affected: yes.

PreventionGenetics, part of Exact Sciences
Classification: Likely benign for MYL4-related condition. Last evaluated: 2021-11-10. Review status: no assertion criteria provided. Collection method: clinical testing. Allele origin: germline. Not counted in ClinVar's aggregate classification.
Comment: This variant is classified as likely benign based on ACMG/AMP sequence variant interpretation guidelines (Richards et al. 2015 PMID: 25741868, with internal and published modifications).

NM_002476.2(MYL4):c.150C>T (p.Ala50=)

Gene: MYL4 (myosin light chain 4; plus strand). Cytogenetic location: 17q21.32.
Variant type: single nucleotide variant.
Coding change: c.150C>T on transcript NM_002476.2 (MANE Select); coding-DNA position 150, C replaced by T.
Protein change: p.Ala50=; no amino-acid change (alanine 50 retained).
Molecular consequence: synonymous variant.
Genome position (GRCh38, 1-based): chr17:47,213,813, C>T. VCF-style: chr17-47213813-C-T. GRCh37 (hg19) VCF-style: chr17-45291179-C-T.
Other names: c.150C>T, p.Ala50= (NM_001002841.2).
Identifiers: ClinVar variation 476198 (VCV000476198.16), dbSNP rs143234546, ClinGen allele CA8622618.